The following is an entry in ClinVar:

NM_018668.5(VPS33B):c.662G>A (p.Arg221Gln)

Gene: VPS33B (VPS33B late endosome and lysosome associated; minus strand). Cytogenetic location: 15q26.1.
Variant type: single nucleotide variant.
Coding change: c.662G>A on transcript NM_018668.5 (MANE Select); coding-DNA position 662, G replaced by A.
Protein change: p.Arg221Gln; replaces arginine 221 with glutamine.
Molecular consequence: missense variant.
Genome position (GRCh38, 1-based): chr15:91,006,988, C>T on the plus strand (G>A on the coding strand, the complement: VPS33B is on the minus strand). VCF-style: chr15-91006988-C-T. GRCh37 (hg19) VCF-style: chr15-91550218-C-T.
Other names: c.581G>A, p.Arg194Gln (NM_001289148.1); c.389G>A, p.Arg130Gln (NM_001289149.1); c.662G>A (NM_018668.4); short protein forms R221Q, R194Q, R130Q.
Identifiers: ClinVar variation 502334 (VCV000502334.14), dbSNP rs377754864, ClinGen allele CA7744964.

ClinVar aggregate classification (germline): Uncertain significance. Review status: criteria provided, multiple submitters, no conflicts (2 of 4 stars). 6 submissions from 6 submitters: Uncertain significance (5). 1 of the submissions does not count toward it. Last evaluated 2025-02-08.

Conditions:
Arthrogryposis, renal dysfunction, and cholestasis 1 (ARCS1). Identifiers: Orphanet 2697, MedGen C1859722, MONDO:0008822, OMIM 208085.
Keratoderma-ichthyosis-deafness syndrome, autosomal recessive (KDIDAR). Identifiers: MedGen C5774200, MONDO:0859278, OMIM 620009.
Cholestasis, progressive familial intrahepatic, 12 (PFIC12). Also called: CHOLESTASIS, ISOLATED LOW-GGT. Identifiers: MedGen C5774311, MONDO:0031040, OMIM 620010.
VPS33B-related disorder. Also called: VPS33B-related condition.
Inborn genetic diseases. Identifiers: MedGen C0950123, MeSH D030342.

Allele frequency attached by ClinVar (database versions not stated): gnomAD exomes 0.00001 and 0.00004; ExAC 0.00003; TOPMed 0.00003; gnomAD 0.00005 and 0.00006; ESP Exome Variant Server 0.00008.
gnomAD v4.1: 30 of 1,613,946 alleles (0.0019%); highest among the groups gnomAD compares: Middle Eastern, 0.033%; no homozygotes.

Submissions (6):

Ambry Genetics
Classification: Uncertain significance for Inborn genetic diseases. Last evaluated: 2025-02-08. Review status: criteria provided, single submitter. Criteria: Ambry Variant Classification Scheme 2023. Collection method: clinical testing. Allele origin: germline.

Fulgent Genetics
Classification: Uncertain significance for Arthrogryposis, renal dysfunction, and cholestasis 1; Keratoderma-ichthyosis-deafness syndrome, autosomal recessive; Cholestasis, progressive familial intrahepatic, 12. Last evaluated: 2024-04-10. Review status: criteria provided, single submitter. Criteria: ACMG Guidelines, 2015. Collection method: clinical testing. Allele origin: germline.

Labcorp Genetics (formerly Invitae), Labcorp
Classification: Uncertain significance. Last evaluated: 2023-12-26. Review status: criteria provided, single submitter. Criteria: Invitae Variant Classification Sherloc (09022015). Collection method: clinical testing. Allele origin: germline.
Comment: This sequence change replaces arginine, which is basic and polar, with glutamine, which is neutral and polar, at codon 221 of the VPS33B protein (p.Arg221Gln). This variant is present in population databases (rs377754864, gnomAD 0.01%). This variant has not been reported in the literature in individuals affected with VPS33B-related conditions. ClinVar contains an entry for this variant (Variation ID: 502334). Advanced modeling of protein sequence and biophysical properties (such as structural, functional, and spatial information, amino acid conservation, physicochemical variation, residue mobility, and thermodynamic stability) performed at Invitae indicates that this missense variant is not expected to disrupt VPS33B protein function with a negative predictive value of 80%. In summary, the available evidence is currently insufficient to determine the role of this variant in disease. Therefore, it has been classified as a Variant of Uncertain Significance.

Eurofins Ntd Llc (ga)
Classification: Uncertain significance. Last evaluated: 2018-05-10. Review status: criteria provided, single submitter. Criteria: EGL ClinVar v180209 classification definitions. Collection method: clinical testing. Allele origin: germline. Observed: 2 variant alleles, 2 heterozygotes.

Illumina Laboratory Services, Illumina
Classification: Uncertain significance for Arthrogryposis, renal dysfunction, and cholestasis 1. Last evaluated: 2017-04-28. Review status: criteria provided, single submitter. Criteria: ICSL Variant Classification Criteria 13 December 2019. Collection method: clinical testing. Allele origin: germline.

PreventionGenetics, part of Exact Sciences
Classification: Uncertain significance for VPS33B-related condition. Last evaluated: 2024-07-11. Review status: no assertion criteria provided. Collection method: clinical testing. Allele origin: germline. Not counted in ClinVar's aggregate classification.
Comment: The VPS33B c.662G>A variant is predicted to result in the amino acid substitution p.Arg221Gln. To our knowledge, this variant has not been reported in the literature. This variant is reported in 0.0098% of alleles in individuals of South Asian descent in gnomAD. At this time, the clinical significance of this variant is uncertain due to the absence of conclusive functional and genetic evidence.